The following is an entry in ClinVar:

NM_033380.3(COL4A5):c.1035A>C (p.Val345=)

Gene: COL4A5 (collagen type IV alpha 5 chain; plus strand). Cytogenetic location: Xq22.3.
Variant type: single nucleotide variant.
Coding change: c.1035A>C on transcript NM_033380.3 (MANE Select); coding-DNA position 1035, A replaced by C.
Protein change: p.Val345=; no amino-acid change (valine 345 retained).
Molecular consequence: synonymous variant.
Genome position (GRCh38, 1-based): chrX:108,586,617, A>C. VCF-style: chrX-108586617-A-C. GRCh37 (hg19) VCF-style: chrX-107829847-A-C.
Other names: c.1035A>C, p.Val345= (NM_000495.5).
Identifiers: ClinVar variation 1167780 (VCV001167780.31), dbSNP rs780982202, ClinGen allele CA10488667.

ClinVar aggregate classification (germline): Benign/Likely benign. Review status: criteria provided, multiple submitters, no conflicts (2 of 4 stars). 3 submissions from 3 submitters: Benign (1); Likely benign (2). Last evaluated 2024-03-20.

Allele frequency attached by ClinVar (database versions not stated): TOPMed below 0.00001; gnomAD 0.00002; gnomAD exomes 0.00008 and 0.00017; ExAC 0.00014; 1000 Genomes Project 30x 0.00021; 1000 Genomes Project 0.00026.
gnomAD v4.1: 83 of 1,202,248 alleles (0.0069%); highest among the groups gnomAD compares: South Asian, 0.15%; no homozygotes.

Submissions (3):

Labcorp Genetics (formerly Invitae), Labcorp
Classification: Benign. Last evaluated: 2024-03-20. Review status: criteria provided, single submitter. Criteria: Invitae Variant Classification Sherloc (09022015). Collection method: clinical testing. Allele origin: germline.

CeGaT Center for Human Genetics Tuebingen
Classification: Likely benign. Last evaluated: 2024-03-01. Review status: criteria provided, single submitter. Criteria: CeGaT Center For Human Genetics Tuebingen Variant Classification Criteria Version 2. Collection method: clinical testing. Allele origin: germline. Affected: yes. Observed: 1 variant allele.
Comment: COL4A5: BP4, BP7, BS2

Blueprint Genetics
Classification: Likely benign. Last evaluated: 2023-06-29. Review status: criteria provided, single submitter. Criteria: ACMG Guidelines, 2015. Collection method: clinical testing. Allele origin: germline.